The following is an entry in ClinVar:

NM_002181.4(IHH):c.545_546insTTT (p.Ser182_Lys183insLeu)

Gene: IHH (Indian hedgehog signaling molecule; minus strand). Cytogenetic location: 2q35.
Variant type: Insertion.
Coding change: c.545_546insTTT on transcript NM_002181.4 (MANE Select); coding-DNA positions 545 to 546, TTT inserted.
Protein change: p.Ser182_Lys183insLeu.
Molecular consequence: inframe insertion.
Genome position: GRCh38 VCF-style: chr2-219057464-T-TAAA. GRCh37 (hg19) VCF-style: chr2-219922186-T-TAAA.
Identifiers: ClinVar variation 1707869 (VCV001707869.3), dbSNP rs2469514044, ClinGen allele CA2580065743.

ClinVar aggregate classification (germline): Uncertain significance (1 of 4 stars; one submission).

Submission:

GeneDx
Classification: Uncertain significance. Last evaluated: 2024-07-09. Review status: criteria provided, single submitter. Criteria: GeneDx Variant Classification Process June 2021. Collection method: clinical testing. Allele origin: germline.
Comment: In-frame insertion of 1 amino acid in a non-repeat region; Not observed at significant frequency in large population cohorts (gnomAD); Has not been previously published as pathogenic or benign to our knowledge